The following is an entry in ClinVar:

NM_001290043.2(TAP2):c.937C>T (p.Arg313Cys)

Gene: TAP2 (transporter 2, ATP binding cassette subfamily B member; minus strand). Cytogenetic location: 6p21.32.
Variant type: single nucleotide variant.
Coding change: c.937C>T on transcript NM_001290043.2 (MANE Select); coding-DNA position 937, C replaced by T.
Protein change: p.Arg313Cys; replaces arginine 313 with cysteine.
Molecular consequence: missense variant.
Genome position (GRCh38, 1-based): chr6:32,835,162, G>A on the plus strand (C>T on the coding strand, the complement: TAP2 is on the minus strand). VCF-style: chr6-32835162-G-A. GRCh37 (hg19) VCF-style: chr6-32802939-G-A.
Other names: c.937C>T, p.Arg313Cys (NM_018833.3, NM_000544.3); short protein forms R313C.
Identifiers: ClinVar variation 837110 (VCV000837110.8), dbSNP rs140532996, ClinGen allele CA3746041.
Genomic context (GRCh38, chr6:32,835,162, plus strand): 5'-CTCACCTGTCAGTTTTATTCTCCCTTTGGGGTTCCCTTACATGCACGCTCACCTGATGGC[G>A]GGTGTTGTACACCTTCTCCGCTGCTATTGTGAAGGGCATGTGCAGCAGAGAAAGGAGGGT-3'
Protein context (NP_001276972.1, residues 303-323): TIAAEKVYNT[Arg313Cys]HQEVLREIQD

ClinVar aggregate classification (germline): Uncertain significance. Review status: criteria provided, multiple submitters, no conflicts (2 of 4 stars). 2 submissions from 2 submitters: Uncertain significance (2). Last evaluated 2022-05-30.

Conditions:
Inborn genetic diseases. Identifiers: MedGen C0950123, MeSH D030342.
MHC class I deficiency. Identifiers: Orphanet 34592, MedGen C6024714, MONDO:0011476.

Allele frequency attached by ClinVar (database versions not stated): ExAC 0.00007; ESP Exome Variant Server 0.00036; 1000 Genomes Project 30x 0.00062; gnomAD 0.00015 and 0.00011; 1000 Genomes Project 0.00060; gnomAD exomes 0.00006; TOPMed 0.00022.
gnomAD v4.1: 70 of 1,612,604 alleles (0.0043%); highest among the groups gnomAD compares: African/African-American, 0.064%; no homozygotes.

Submissions (2):

Labcorp Genetics (formerly Invitae), Labcorp
Classification: Uncertain significance for MHC class I deficiency 1. Last evaluated: 2022-05-30. Review status: criteria provided, single submitter. Criteria: Invitae Variant Classification Sherloc (09022015). Collection method: clinical testing. Allele origin: germline.
Comment: This sequence change replaces arginine, which is basic and polar, with cysteine, which is neutral and slightly polar, at codon 313 of the TAP2 protein (p.Arg313Cys). This variant is present in population databases (rs140532996, gnomAD 0.04%). This variant has not been reported in the literature in individuals affected with TAP2-related conditions. ClinVar contains an entry for this variant (Variation ID: 837110). Algorithms developed to predict the effect of missense changes on protein structure and function are either unavailable or do not agree on the potential impact of this missense change (SIFT: "Deleterious"; PolyPhen-2: "Not Available"; Align-GVGD: "Class C0"). In summary, the available evidence is currently insufficient to determine the role of this variant in disease. Therefore, it has been classified as a Variant of Uncertain Significance.

Ambry Genetics
Classification: Uncertain significance for Inborn genetic diseases. Last evaluated: 2022-04-25. Review status: criteria provided, single submitter. Criteria: Ambry Variant Classification Scheme 2023. Collection method: clinical testing. Allele origin: germline.